The following is an entry in ClinVar:

NM_017654.4(SAMD9):c.2062A>C (p.Lys688Gln)

Gene: SAMD9 (sterile alpha motif domain containing 9; minus strand). Cytogenetic location: 7q21.2.
Variant type: single nucleotide variant.
Coding change: c.2062A>C on transcript NM_017654.4 (MANE Select); coding-DNA position 2062, A replaced by C.
Protein change: p.Lys688Gln; replaces lysine 688 with glutamine.
Molecular consequence: missense variant.
Genome position (GRCh38, 1-based): chr7:93,104,036, T>G on the plus strand (A>C on the coding strand, the complement: SAMD9 is on the minus strand). VCF-style: chr7-93104036-T-G. GRCh37 (hg19) VCF-style: chr7-92733349-T-G.
Other names: c.2062A>C (NM_017654.3); c.2062A>C, p.Lys688Gln (NM_001193307.2); short protein forms K688Q.
Identifiers: ClinVar variation 3624823 (VCV003624823.3).

ClinVar aggregate classification (germline): Uncertain significance. Review status: criteria provided, multiple submitters, no conflicts (2 of 4 stars). 2 submissions from 2 submitters: Uncertain significance (2). Last evaluated 2025-09-29.

Conditions:
Inborn genetic diseases. Identifiers: MedGen C0950123, MeSH D030342.

gnomAD v4.1: 8 of 1,614,034 alleles (0.0005%); highest among the groups gnomAD compares: Non-Finnish European, 0.00068%; no homozygotes.

Submissions (2):

Labcorp Genetics (formerly Invitae), Labcorp
Classification: Uncertain significance. Last evaluated: 2025-09-29. Review status: criteria provided, single submitter. Criteria: Invitae Variant Classification Sherloc (09022015). Collection method: clinical testing. Allele origin: germline.
Comment: This sequence change replaces lysine, which is basic and polar, with glutamine, which is neutral and polar, at codon 688 of the SAMD9 protein (p.Lys688Gln). This variant is present in population databases (rs778499845, gnomAD 0.0009%). This variant has not been reported in the literature in individuals affected with SAMD9-related conditions. ClinVar contains an entry for this variant (Variation ID: 3624823). Invitae Evidence Modeling of protein sequence and biophysical properties (such as structural, functional, and spatial information, amino acid conservation, physicochemical variation, residue mobility, and thermodynamic stability) has been performed for this missense variant. However, the output from this modeling did not meet the statistical confidence thresholds required to predict the impact of this variant on SAMD9 protein function. In summary, the available evidence is currently insufficient to determine the role of this variant in disease. Therefore, it has been classified as a Variant of Uncertain Significance.

Ambry Genetics
Classification: Uncertain significance for Inborn genetic diseases. Last evaluated: 2025-05-25. Review status: criteria provided, single submitter. Criteria: Ambry Variant Classification Scheme 2023. Collection method: clinical testing. Allele origin: germline.
Comment: The p.K688Q variant (also known as c.2062A>C), located in coding exon 1 of the SAMD9 gene, results from an A to C substitution at nucleotide position 2062. The lysine at codon 688 is replaced by glutamine, an amino acid with similar properties. This amino acid position is conserved. In addition, this alteration is predicted to be tolerated by in silico analysis. Based on the available evidence, the clinical significance of this variant remains unclear.